The following is an entry in ClinVar:

ClinVar aggregate classification (germline): Uncertain significance. Review status: criteria provided, multiple submitters, no conflicts (2 of 4 stars). 2 submissions from 2 submitters: Uncertain significance (2). Last evaluated 2021-04-06.

Conditions:
Immunodeficiency due to CD25 deficiency. Also called: IMMUNODEFICIENCY 41 WITH LYMPHOPROLIFERATION AND AUTOIMMUNITY; CD25 DEFICIENCY; IL2RA DEFICIENCY. Identifiers: Orphanet 169100, MedGen C1853392, MONDO:0011664, OMIM 606367.

Allele frequency attached by ClinVar (database versions not stated): gnomAD 0.00001; gnomAD exomes 0.00001.
gnomAD v4.1: 17 of 1,614,046 alleles (0.0011%); highest among the groups gnomAD compares: Non-Finnish European, 0.0011%; no homozygotes.

Submissions (2):

Labcorp Genetics (formerly Invitae), Labcorp
Classification: Uncertain significance for Immunodeficiency due to CD25 deficiency. Last evaluated: 2021-04-06. Review status: criteria provided, single submitter. Criteria: Invitae Variant Classification Sherloc (09022015). Collection method: clinical testing. Allele origin: germline.
Comment: In summary, the available evidence is currently insufficient to determine the role of this variant in disease. Therefore, it has been classified as a Variant of Uncertain Significance. Algorithms developed to predict the effect of missense changes on protein structure and function are either unavailable or do not agree on the potential impact of this missense change (SIFT: "Tolerated"; PolyPhen-2: "Probably Damaging"; Align-GVGD: "Class C0"). This variant has not been reported in the literature in individuals with IL2RA-related conditions. ClinVar contains an entry for this variant (Variation ID: 300260). This variant is not present in population databases (ExAC no frequency). This sequence change replaces arginine with histidine at codon 56 of the IL2RA protein (p.Arg56His). The arginine residue is highly conserved and there is a small physicochemical difference between arginine and histidine.

Illumina Laboratory Services, Illumina
Classification: Uncertain significance for Immunodeficiency due to CD25 deficiency. Last evaluated: 2018-01-13. Review status: criteria provided, single submitter. Criteria: ICSL Variant Classification Criteria 13 December 2019. Collection method: clinical testing. Allele origin: germline.

NM_000417.3(IL2RA):c.167G>A (p.Arg56His)

Gene: IL2RA (interleukin 2 receptor subunit alpha; minus strand). Cytogenetic location: 10p15.1.
Variant type: single nucleotide variant.
Coding change: c.167G>A on transcript NM_000417.3 (MANE Select); coding-DNA position 167, G replaced by A.
Protein change: p.Arg56His; replaces arginine 56 with histidine.
Molecular consequence: missense variant.
Genome position (GRCh38, 1-based): chr10:6,025,923, C>T on the plus strand (G>A on the coding strand, the complement: IL2RA is on the minus strand). VCF-style: chr10-6025923-C-T. GRCh37 (hg19) VCF-style: chr10-6067886-C-T.
Other names: c.167G>A, p.Arg56His (NM_001308242.2, NM_001308243.2); short protein forms R56H.
Identifiers: ClinVar variation 300260 (VCV000300260.11), dbSNP rs886047083, ClinGen allele CA10635576.